The following is an entry in ClinVar:

NC_000012.11:g.(?_120875915)_(120878534_?)dup

Gene: COX6A1 (cytochrome c oxidase subunit 6A1; plus strand). Cytogenetic location: 12q24.31.
Variant type: Duplication.
Identifiers: ClinVar variation 2691407 (VCV002691407.2).

ClinVar aggregate classification (germline): Likely benign (1 of 4 stars; one submission).

Submission:

Women's Health and Genetics/Laboratory Corporation of America, LabCorp
Classification: Likely benign. Last evaluated: 2024-07-29. Review status: criteria provided, single submitter. Criteria: LabCorp Variant Classification Summary - May 2015. Collection method: clinical testing. Allele origin: germline.
Comment: Variant summary: The variant involves the duplication of exons 1-3 in the COX6A1 gene. A presumed nomenclature of c.(?_-15)_(*194_?)dup has been designated for the purposes of this classification. This duplication includes the entire coding sequence of the gene. As exact breakpoints are unknown, it may extend beyond the annotated region of the gene, to include other flanking genes. A large duplication variant (~18.8 kb) encompassing the COX6A1 gene was found at a frequency of 0.0011 in 120730 control chromosomes in the gnomAD database (Structural Variants v4.1 dataset), including 2 homozygotes. The observed variant frequency, and the presence of homozygotes in the control population suggests that this large duplication may represent a benign polymorphism, although potential risk associations with this variant cannot be excluded. To our knowledge, no occurrence of c.(?_-15)_(*194_?)dup in individuals affected with Charcot-Marie Disease Recessive Intermediate D and no experimental evidence demonstrating its impact on protein function have been reported. ClinVar contains an entry for this variant (Variation ID: 1400528). Based on the evidence outlined above, the variant was classified as likely benign.